The following is an entry in ClinVar:

NM_001110556.2(FLNA):c.3484A>C (p.Lys1162Gln)

Gene: FLNA (filamin A; minus strand). Cytogenetic location: Xq28.
Variant type: single nucleotide variant.
Coding change: c.3484A>C on transcript NM_001110556.2 (MANE Select); coding-DNA position 3484, A replaced by C.
Protein change: p.Lys1162Gln; replaces lysine 1162 with glutamine.
Molecular consequence: missense variant.
Genome position (GRCh38, 1-based): chrX:154,360,311, T>G on the plus strand (A>C on the coding strand, the complement: FLNA is on the minus strand). VCF-style: chrX-154360311-T-G. GRCh37 (hg19) VCF-style: chrX-153588679-T-G.
Other names: c.3484A>C, p.Lys1162Gln (NM_001456.4); short protein forms K1162Q.
Identifiers: ClinVar variation 1307860 (VCV001307860.4), dbSNP rs782793542, ClinGen allele CA10560700.
Genomic context (GRCh38, chrX:154,360,311, plus strand): 5'-GGAATTGGCCCACCTCCCCAGCGGTGGCCCGCTCCAGCCCGGGGCCTGAGCACTTGACTT[T>G]GGATGCGTCAAAGCAGGGAACCACGTGGGCCTTGAATGGGGAGCCAGGGATGTGGGTGTC-3'
Protein context (NP_001104026.1, residues 1152-1172): AHVVPCFDAS[Lys1162Gln]VKCSGPGLER

ClinVar aggregate classification (germline): Conflicting classifications of pathogenicity. Review status: criteria provided, conflicting classifications (1 of 4 stars). 2 submissions from 2 submitters: Uncertain significance (1); Likely benign (1). Last evaluated 2025-12-11.

Conditions:
Melnick-Needles syndrome (MNS). Also called: MELNICK-NEEDLES OSTEODYSPLASTY; OSTEODYSPLASTY OF MELNICK AND NEEDLES; Melnick-Needles Syndrome (FLNA-MNS). Identifiers: Orphanet 2484, MedGen C0025237, MONDO:0010650, OMIM 309350.
Frontometaphyseal dysplasia (FMD1). Identifiers: MONDO:0015942, Orphanet 1826, MedGen C0265293.
Oto-palato-digital syndrome, type II (OPD2). Also called: Otopalatodigital Syndrome, Type II; FACIOPALATOOSSEOUS SYNDROME; OPD II SYNDROME; Otopalatodigital Syndrome Type 2 (FLNA-OPD2). Identifiers: Orphanet 669, Orphanet 90652, MedGen C1844696, MONDO:0010571, OMIM 304120.
Heterotopia, periventricular, X-linked dominant (PVNH1). Also called: X-linked periventricular heterotopia; PERIVENTRICULAR NODULAR HETEROTOPIA 4; HETEROTOPIA, PERIVENTRICULAR, 1; PERIVENTRICULAR NODULAR HETEROTOPIA 1. Identifiers: Orphanet 2149, Orphanet 82004, MedGen C1848213, MONDO:0010233, OMIM 300049.

Allele frequency attached by ClinVar (database versions not stated): gnomAD 0.00001; gnomAD exomes 0.00001 and 0.00002; ExAC 0.00004.
gnomAD v4.1: 9 of 1,210,964 alleles (0.00074%); highest among the groups gnomAD compares: East Asian, 0.003%; no homozygotes.

Submissions (2):

Labcorp Genetics (formerly Invitae), Labcorp
Classification: Likely benign for Oto-palato-digital syndrome, type II; Heterotopia, periventricular, X-linked dominant; Frontometaphyseal dysplasia; Melnick-Needles syndrome. Last evaluated: 2025-12-11. Review status: criteria provided, single submitter. Criteria: Invitae Variant Classification Sherloc (09022015). Collection method: clinical testing. Allele origin: germline.

GeneDx
Classification: Uncertain significance. Last evaluated: 2019-08-08. Review status: criteria provided, single submitter. Criteria: GeneDx Variant Classification Process June 2021. Collection method: clinical testing. Allele origin: germline. Affected: yes.
Comment: Has not been previously published as pathogenic or benign to our knowledge; In silico analysis, which includes protein predictors and evolutionary conservation, supports a deleterious effect